The following is an entry in ClinVar:

NM_000458.4(HNF1B):c.1474G>A (p.Gly492Ser)

Gene: HNF1B (HNF1 homeobox B; minus strand). Cytogenetic location: 17q12.
Variant type: single nucleotide variant.
Coding change: c.1474G>A on transcript NM_000458.4 (MANE Select); coding-DNA position 1474, G replaced by A.
Protein change: p.Gly492Ser; replaces glycine 492 with serine.
Molecular consequence: missense variant. On other transcripts: intron variant (1).
Genome position (GRCh38, 1-based): chr17:37,701,043, C>T on the plus strand (G>A on the coding strand, the complement: HNF1B is on the minus strand). VCF-style: chr17-37701043-C-T. GRCh37 (hg19) VCF-style: chr17-36061048-C-T.
Other names: c.1396G>A, p.Gly466Ser (NM_001165923.4); c.1261+3874G>A (NM_001304286.2); short protein forms G492S, G466S.
Identifiers: ClinVar variation 322945 (VCV000322945.50), dbSNP rs187556368, ClinGen allele CA8518824.

ClinVar aggregate classification (germline): Benign/Likely benign. Review status: criteria provided, multiple submitters, no conflicts (2 of 4 stars). 8 submissions from 8 submitters: Benign (3); Likely benign (5). Last evaluated 2025-12-22.

Conditions:
Nonpapillary renal cell carcinoma. Identifiers: Orphanet 422526, MedGen CN074294, MONDO:0007763, OMIM 144700.
Renal cysts and diabetes syndrome (RCAD). Also called: Familial hypoplastic, glomerulocystic kidney; MATURITY-ONSET DIABETES OF THE YOUNG, TYPE 5. Identifiers: Orphanet 93111, MedGen C0431693, MONDO:0007669, OMIM 137920.
Type 2 diabetes mellitus. Also called: Type II diabetes mellitus. Identifiers: MedGen C0011860, MeSH D003924, MONDO:0005148, OMIM 125853, HP:0005978.

Allele frequency attached by ClinVar (database versions not stated): TOPMed 0.00010; ESP Exome Variant Server 0.00031; ExAC 0.00089; gnomAD exomes 0.00100; 1000 Genomes Project 30x 0.00125; 1000 Genomes Project 0.00160; gnomAD 0.00201.
gnomAD v4.1: 1,693 of 1,555,390 alleles (0.11%); highest among the groups gnomAD compares: Non-Finnish European, 0.015%; 22 homozygotes.

Submissions (8):

Labcorp Genetics (formerly Invitae), Labcorp
Classification: Benign. Last evaluated: 2025-12-22. Review status: criteria provided, single submitter. Criteria: Invitae Variant Classification Sherloc (09022015). Collection method: clinical testing. Allele origin: germline.

ARUP Laboratories, Molecular Genetics and Genomics, ARUP Laboratories
Classification: Benign. Last evaluated: 2024-11-08. Review status: criteria provided, single submitter. Criteria: ARUP Molecular Germline Variant Investigation Process 2024. Collection method: clinical testing. Allele origin: germline.

Blueprint Genetics
Classification: Likely benign. Last evaluated: 2024-11-08. Review status: criteria provided, single submitter. Criteria: ACMG Guidelines, 2015. Collection method: clinical testing. Allele origin: germline.

CeGaT Center for Human Genetics Tuebingen
Classification: Benign. Last evaluated: 2022-03-01. Review status: criteria provided, single submitter. Criteria: CeGaT Center For Human Genetics Tuebingen Variant Classification Criteria Version 2. Collection method: clinical testing. Allele origin: germline. Affected: yes. Observed: 1 variant allele.
Comment: HNF1B: BS1, BS2

Fulgent Genetics
Classification: Likely benign for Type 2 diabetes mellitus; Renal cysts and diabetes syndrome; Nonpapillary renal cell carcinoma. Last evaluated: 2022-02-04. Review status: criteria provided, single submitter. Criteria: ACMG Guidelines, 2015. Collection method: clinical testing. Allele origin: unknown.

GeneDx
Classification: Likely benign. Last evaluated: 2021-03-08. Review status: criteria provided, single submitter. Criteria: GeneDx Variant Classification Process June 2021. Collection method: clinical testing. Allele origin: germline. Affected: yes.
Comment: See Variant Classification Assertion Criteria.

Institute of Human Genetics, FAU Erlangen, Friedrich-Alexander-Universität Erlangen-Nürnberg
Classification: Likely benign for Renal cysts and diabetes syndrome. Last evaluated: 2019-07-06. Review status: criteria provided, single submitter. Criteria: ACMG Guidelines, 2015. Collection method: literature only. Allele origin: germline. Affected: yes.
Comment: This variant and it's classification has been reported by Vasileiou et al. 2019; DOI:10.1101/576918. The variants has previously been reported in PMID:25700310; PMID:10672455 as "c.1474G>A" with clinical significance Pathogenic. It has been re-classified using InterVar and manual curation as Likely benign based on PM1 PP3 BS1 BP6.

Illumina Laboratory Services, Illumina
Classification: Likely benign for Renal cysts and diabetes syndrome. Last evaluated: 2017-04-28. Review status: criteria provided, single submitter. Criteria: ICSL Variant Classification Criteria 13 December 2019. Collection method: clinical testing. Allele origin: germline.
Comment: This variant was observed as part of a predisposition screen in an ostensibly healthy population. A literature search was performed for the gene, cDNA change, and amino acid change (where applicable). No publications were found based on this search. Allele frequency data from public databases allowed determination this variant is unlikely to cause disease. Therefore, this variant is classified as likely benign.

Literature cited by the submitters: PubMed 25700310 (cited by Institute of Human Genetics, FAU Erlangen, Friedrich-Alexander-Universität Erlangen-Nürnberg); PubMed 10672455 (cited by Institute of Human Genetics, FAU Erlangen, Friedrich-Alexander-Universität Erlangen-Nürnberg); DOI 10.1101/576918 (cited by Institute of Human Genetics, FAU Erlangen, Friedrich-Alexander-Universität Erlangen-Nürnberg).